The following is an entry in ClinVar:

NM_003001.5(SDHC):c.451T>A (p.Ser151Thr)

Gene: SDHC (succinate dehydrogenase complex subunit C; plus strand). Cytogenetic location: 1q23.3.
Variant type: single nucleotide variant.
Coding change: c.451T>A on transcript NM_003001.5 (MANE Select); coding-DNA position 451, T replaced by A.
Protein change: p.Ser151Thr; replaces serine 151 with threonine.
Molecular consequence: missense variant. On other transcripts: non-coding transcript variant (1).
Genome position (GRCh38, 1-based): chr1:161,362,374, T>A. VCF-style: chr1-161362374-T-A. GRCh37 (hg19) VCF-style: chr1-161332164-T-A.
Other names: c.287T>A, p.Val96Asp (NM_001035511.3); c.349T>A, p.Ser117Thr (NM_001035512.3); c.292T>A, p.Ser98Thr (NM_001035513.3); c.185T>A, p.Val62Asp (NM_001278172.3); c.571T>A, p.Ser191Thr (NM_001407115.1); c.394T>A, p.Ser132Thr (NM_001407116.1); c.388T>A, p.Ser130Thr (NM_001407117.1); c.343T>A, p.Ser115Thr (NM_001407118.1); and 2 more; short protein forms S114T, S115T, S151T, S98T, V96D, S117T, S191T, V62D.
Identifiers: ClinVar variation 2625456 (VCV002625456.2), dbSNP rs1558185927, ClinGen allele CA343457754.

ClinVar aggregate classification (germline): Uncertain significance (1 of 4 stars; one submission).

Conditions:
Hereditary cancer-predisposing syndrome. Also called: Tumor predisposition; Hereditary Cancer Syndrome; Hereditary neoplastic syndrome; Neoplastic Syndromes, Hereditary. Identifiers: Orphanet 140162, MedGen C0027672, MeSH D009386, MONDO:0015356.

Submission:

Ambry Genetics
Classification: Uncertain significance for Hereditary cancer-predisposing syndrome. Last evaluated: 2023-06-28. Review status: criteria provided, single submitter. Criteria: Ambry Variant Classification Scheme 2023. Collection method: clinical testing. Allele origin: germline.
Comment: The p.S151T variant (also known as c.451T>A), located in coding exon 6 of the SDHC gene, results from a T to A substitution at nucleotide position 451. The serine at codon 151 is replaced by threonine, an amino acid with similar properties. This amino acid position is highly conserved in available vertebrate species. In addition, the in silico prediction for this alteration is inconclusive. Since supporting evidence is limited at this time, the clinical significance of this alteration remains unclear.